The following is an entry in ClinVar:

ClinVar aggregate classification (germline): Uncertain significance. Review status: criteria provided, multiple submitters, no conflicts (2 of 4 stars). 2 submissions from 2 submitters: Uncertain significance (2). Last evaluated 2023-10-16.

Conditions:
Inborn genetic diseases. Identifiers: MedGen C0950123, MeSH D030342.
SEMA3A-related disorder. Also called: SEMA3A-related condition.

Allele frequency attached by ClinVar (database versions not stated): TOPMed 0.00001; ExAC 0.00002.
gnomAD v4.1: 10 of 1,611,668 alleles (0.00062%); highest among the groups gnomAD compares: South Asian, 0.0066%; no homozygotes.

Submissions (2):

Ambry Genetics
Classification: Uncertain significance for Inborn genetic diseases. Last evaluated: 2023-10-16. Review status: criteria provided, single submitter. Criteria: Ambry Variant Classification Scheme 2023. Collection method: clinical testing. Allele origin: germline.

PreventionGenetics, part of Exact Sciences
Classification: Uncertain significance for SEMA3A-related condition. Last evaluated: 2023-05-19. Review status: criteria provided, single submitter. Criteria: ACMG Guidelines, 2015. Collection method: clinical testing. Allele origin: germline.
Comment: The SEMA3A c.1517C>T variant is predicted to result in the amino acid substitution p.Thr506Met. To our knowledge, this variant has not been reported in the literature. This variant is reported in 0.0034% of alleles in individuals of South Asian descent in gnomAD. At this time, the clinical significance of this variant is uncertain due to the absence of conclusive functional and genetic evidence.

NM_006080.3(SEMA3A):c.1517C>T (p.Thr506Met)

Gene: SEMA3A (semaphorin 3A; minus strand). Cytogenetic location: 7q21.11.
Variant type: single nucleotide variant.
Coding change: c.1517C>T on transcript NM_006080.3 (MANE Select); coding-DNA position 1517, C replaced by T.
Protein change: p.Thr506Met; replaces threonine 506 with methionine.
Molecular consequence: missense variant.
Genome position (GRCh38, 1-based): chr7:83,981,456, G>A on the plus strand (C>T on the coding strand, the complement: SEMA3A is on the minus strand). VCF-style: chr7-83981456-G-A. GRCh37 (hg19) VCF-style: chr7-83610772-G-A.
Other names: short protein forms T506M.
Identifiers: ClinVar variation 2629062 (VCV002629062.2), dbSNP rs748598600, ClinGen allele CA4322688.
Genomic context (GRCh38, chr7:83,981,456, plus strand): 5'-TCAGCACACGCTTTCCCGTAAATATCACACCGGTGTAAAGGGAGCTGGGCAACCCCAGCC[G>A]TTGAACCAATATATAGTTGTTGCTGTGGAAAGAGTTTACTGCTGTGACAAAAACTATCTT-3'
Protein context (NP_006071.1, residues 496-516): TKQQQLYIGS[Thr506Met]AGVAQLPLHR